The following is an entry in ClinVar:

ClinVar aggregate classification (germline): Uncertain significance. Review status: criteria provided, multiple submitters, no conflicts (2 of 4 stars). 4 submissions from 4 submitters: Uncertain significance (4). Last evaluated 2024-08-21.

Conditions:
Familial hypocalciuric hypercalcemia (FHH). Also called: Familial benign hypercalcemia. Identifiers: Orphanet 405, MedGen C1809471, MONDO:0018458.
Autosomal dominant hypocalcemia 1 (HYPOC1). Also called: HYPOCALCEMIA, FAMILIAL. Identifiers: MedGen C3715128, MONDO:0011013, OMIM 601198.
Nephrolithiasis/nephrocalcinosis. Identifiers: MedGen CN580796.

Allele frequency attached by ClinVar (database versions not stated): TOPMed below 0.00001.

Submissions (4):

Mayo Clinic Laboratories, Mayo Clinic
Classification: Uncertain significance. Last evaluated: 2024-08-21. Review status: criteria provided, single submitter. Criteria: ACMG Guidelines, 2015. Collection method: clinical testing. Allele origin: germline. Observed: 1 variant allele.
Comment: BP4, PP2, PM2

Labcorp Genetics (formerly Invitae), Labcorp
Classification: Uncertain significance for Familial hypocalciuric hypercalcemia; Autosomal dominant hypocalcemia 1. Last evaluated: 2024-06-10. Review status: criteria provided, single submitter. Criteria: Invitae Variant Classification Sherloc (09022015). Collection method: clinical testing. Allele origin: germline.
Comment: This sequence change replaces glutamine, which is neutral and polar, with glutamic acid, which is acidic and polar, at codon 49 of the CASR protein (p.Gln49Glu). This variant is not present in population databases (gnomAD no frequency). This variant has not been reported in the literature in individuals affected with CASR-related conditions. ClinVar contains an entry for this variant (Variation ID: 532586). An algorithm developed to predict the effect of missense changes on protein structure and function (PolyPhen-2) suggests that this variant is likely to be tolerated. In summary, the available evidence is currently insufficient to determine the role of this variant in disease. Therefore, it has been classified as a Variant of Uncertain Significance.

Ambry Genetics
Classification: Uncertain significance for Nephrolithiasis/nephrocalcinosis. Last evaluated: 2023-07-14. Review status: criteria provided, single submitter. Criteria: Ambry Variant Classification Scheme 2023. Collection method: clinical testing. Allele origin: germline.
Comment: The p.Q49E variant (also known as c.145C>G), located in coding exon 1 of the CASR gene, results from a C to G substitution at nucleotide position 145. The glutamine at codon 49 is replaced by glutamic acid, an amino acid with highly similar properties. This amino acid position is well conserved in available vertebrate species. In addition, this alteration is predicted to be tolerated by in silico analysis. Since supporting evidence is limited at this time, the clinical significance of this alteration remains unclear.

GeneDx
Classification: Uncertain significance. Last evaluated: 2023-04-16. Review status: criteria provided, single submitter. Criteria: GeneDx Variant Classification Process June 2021. Collection method: clinical testing. Allele origin: germline. Affected: yes.
Comment: Not observed at significant frequency in large population cohorts (gnomAD); In silico analysis supports that this missense variant does not alter protein structure/function; Has not been previously published as pathogenic or benign to our knowledge

NM_000388.4(CASR):c.145C>G (p.Gln49Glu)

Gene: CASR (calcium sensing receptor; plus strand). Cytogenetic location: 3q21.1.
Variant type: single nucleotide variant.
Coding change: c.145C>G on transcript NM_000388.4 (MANE Select); coding-DNA position 145, C replaced by G.
Protein change: p.Gln49Glu; replaces glutamine 49 with glutamic acid.
Molecular consequence: missense variant.
Genome position (GRCh38, 1-based): chr3:122,254,334, C>G. VCF-style: chr3-122254334-C-G. GRCh37 (hg19) VCF-style: chr3-121973181-C-G.
Other names: p.Gln49Glu; c.145C>G, p.Gln49Glu (NM_001178065.2); short protein forms Q49E.
Identifiers: ClinVar variation 532586 (VCV000532586.14), dbSNP rs1553765913, ClinGen allele CA354362225.
Genomic context (GRCh38, chr3:122,254,334, plus strand): 5'-AAGGGGGACATTATCCTTGGGGGGCTCTTTCCTATTCATTTTGGAGTAGCAGCTAAAGAT[C>G]AAGATCTCAAATCAAGGCCGGAGTCTGTGGAATGTATCAGGTAAGAAGAGGGGCCTAATC-3'
Protein context (NP_000379.3, residues 39-59): PIHFGVAAKD[Gln49Glu]DLKSRPESVE